The following is an entry in ClinVar:

ClinVar aggregate classification (germline): Pathogenic (1 of 4 stars; one submission).

Submission:

Labcorp Genetics (formerly Invitae), Labcorp
Classification: Pathogenic. Last evaluated: 2023-10-16. Review status: criteria provided, single submitter. Criteria: Invitae Variant Classification Sherloc (09022015). Collection method: clinical testing. Allele origin: germline.
Comment: This sequence change creates a premature translational stop signal (p.Ser72Leufs*14) in the LPL gene. It is expected to result in an absent or disrupted protein product. Loss-of-function variants in LPL are known to be pathogenic (PMID: 11334614). This variant is not present in population databases (gnomAD no frequency). This variant has not been reported in the literature in individuals affected with LPL-related conditions. For these reasons, this variant has been classified as Pathogenic.

Literature cited by the submitters: PubMed 11334614.

NM_000237.3(LPL):c.214_224del (p.Ser72fs)

Gene: LPL (lipoprotein lipase; plus strand). Cytogenetic location: 8p21.3.
Variant type: Deletion.
Coding change: c.214_224del on transcript NM_000237.3 (MANE Select); coding-DNA positions 214 to 224, 11 bases deleted (AGCAGCAAAAC).
Protein change: p.Ser72fs; shifts the reading frame from serine 72.
Molecular consequence: frameshift variant.
Genome position (GRCh38, 1-based): chr8:19,948,305-19,948,315, AGCAGCAAAAC deleted; deleting any 11 consecutive bases within chr8:19,948,303-19,948,315 gives the same sequence; the c. name uses the placement nearest the transcript's 3' end. VCF-style (leftmost placement, unchanged base first): chr8-19948302-CACAGCAGCAAA-C. GRCh37 (hg19) VCF-style: chr8-19805813-CACAGCAGCAAA-C.
Other names: short protein forms S72fs.
Identifiers: ClinVar variation 2769182 (VCV002769182.3), dbSNP rs2069901772, ClinGen allele CA1769092647.